The following is an entry in ClinVar:

ClinVar aggregate classification (germline): Uncertain significance (1 of 4 stars; one submission).

Allele frequency attached by ClinVar (database versions not stated): gnomAD exomes below 0.00001.
gnomAD v4.1: 2 of 1,574,510 alleles (0.00013%); highest among the groups gnomAD compares: South Asian, 0.0012%; no homozygotes.

Submission:

Labcorp Genetics (formerly Invitae), Labcorp
Classification: Uncertain significance. Last evaluated: 2021-05-20. Review status: criteria provided, single submitter. Criteria: Invitae Variant Classification Sherloc (09022015). Collection method: clinical testing. Allele origin: germline.
Comment: In summary, the available evidence is currently insufficient to determine the role of this variant in disease. Therefore, it has been classified as a Variant of Uncertain Significance. Algorithms developed to predict the effect of missense changes on protein structure and function are either unavailable or do not agree on the potential impact of this missense change (SIFT: "Deleterious"; PolyPhen-2: "Probably Damaging"; Align-GVGD: "Class C0"). This variant has not been reported in the literature in individuals with ANGPT1-related conditions. This variant is not present in population databases (ExAC no frequency). This sequence change replaces glycine with glutamic acid at codon 395 of the ANGPT1 protein (p.Gly395Glu). The glycine residue is highly conserved and there is a moderate physicochemical difference between glycine and glutamic acid.

NM_001146.5(ANGPT1):c.1184G>A (p.Gly395Glu)

Gene: ANGPT1 (angiopoietin 1; minus strand). Cytogenetic location: 8q23.1.
Variant type: single nucleotide variant.
Coding change: c.1184G>A on transcript NM_001146.5 (MANE Select); coding-DNA position 1184, G replaced by A.
Protein change: p.Gly395Glu; replaces glycine 395 with glutamic acid.
Molecular consequence: missense variant.
Genome position (GRCh38, 1-based): chr8:107,284,703, C>T on the plus strand (G>A on the coding strand, the complement: ANGPT1 is on the minus strand). VCF-style: chr8-107284703-C-T. GRCh37 (hg19) VCF-style: chr8-108296931-C-T.
Other names: c.1181G>A, p.Gly394Glu (NM_001199859.3); c.584G>A, p.Gly195Glu (NM_001314051.2); short protein forms G394E, G195E, G395E.
Identifiers: ClinVar variation 1355486 (VCV001355486.8), dbSNP rs757109289, ClinGen allele CA183449798.